The following is an entry in ClinVar:

ClinVar aggregate classification (germline): Likely pathogenic (1 of 4 stars; one submission).

Conditions:
Ellis-van Creveld syndrome (EVC). Also called: EVC-Related Ellis-van Creveld Syndrome; EVC2-Related Ellis-van Creveld Syndrome; MESOECTODERMAL DYSPLASIA; Chondroectodermal dysplasia. Identifiers: Orphanet 289, MedGen C0013903, MONDO:0009162, OMIM 225500.
Curry-Hall syndrome (WAD). Also called: WEYERS ACRODENTAL DYSOSTOSIS. Identifiers: Orphanet 952, MedGen C0457013, MONDO:0008673, OMIM 193530.

gnomAD v4.1: 1 of 1,613,836 alleles (0.000062%); no homozygotes.

Submission:

Labcorp Genetics (formerly Invitae), Labcorp
Classification: Likely pathogenic for Curry-Hall syndrome; Ellis-van Creveld syndrome. Last evaluated: 2023-11-06. Review status: criteria provided, single submitter. Criteria: Invitae Variant Classification Sherloc (09022015). Collection method: clinical testing. Allele origin: germline.
Comment: This sequence change affects a donor splice site in intron 3 of the EVC2 gene. It is expected to disrupt RNA splicing. Variants that disrupt the donor or acceptor splice site typically lead to a loss of protein function (PMID: 16199547), and loss-of-function variants in EVC2 are known to be pathogenic (PMID: 17024374, 19810119, 19876929). This variant is present in population databases (no rsID available, gnomAD 0.0009%). This variant has not been reported in the literature in individuals affected with EVC2-related conditions. Algorithms developed to predict the effect of sequence changes on RNA splicing suggest that this variant may disrupt the consensus splice site. In summary, the currently available evidence indicates that the variant is pathogenic, but additional data are needed to prove that conclusively. Therefore, this variant has been classified as Likely Pathogenic.

Literature cited by the submitters: PubMed 16199547; PubMed 17024374; PubMed 19810119; PubMed 19876929.

NM_147127.5(EVC2):c.450+1G>C

Gene: EVC2 (EvC ciliary complex subunit 2; minus strand). Cytogenetic location: 4p16.2.
Variant type: single nucleotide variant.
Coding change: c.450+1G>C on transcript NM_147127.5 (MANE Select); the canonical splice donor site of the intron after coding-DNA position 450, G replaced by C.
Molecular consequence: splice donor variant.
Genome position (GRCh38, 1-based): chr4:5,694,334, C>G on the plus strand (G>C on the coding strand, the complement: EVC2 is on the minus strand). VCF-style: chr4-5694334-C-G. GRCh37 (hg19) VCF-style: chr4-5696061-C-G.
Other names: c.210+1G>C (NM_001166136.2).
Identifiers: ClinVar variation 2953638 (VCV002953638.3), dbSNP rs1447633595, ClinGen allele CA356150234.
Genomic context (GRCh38, chr4:5,694,334, plus strand): 5'-CCATAATTGGTTTATTTCCAACTTCTGGTATTTGTGTTAAAGCATTGAACTTAATACTTA[C>G]CAGGCGGTGTGTTATAGGAGACTCTCTTTTAAATAAGTTCTTCTTAGGCCAGGAGGGTAT-3'